The following is an entry in ClinVar:

ClinVar aggregate classification (germline): Conflicting classifications of pathogenicity. Review status: criteria provided, conflicting classifications (1 of 4 stars). 4 submissions from 4 submitters: Uncertain significance (1); Likely benign (3). Last evaluated 2025-10-01.

Conditions:
APP-related disorder. Also called: APP-related condition.
Alzheimer disease. Also called: Alzheimer's disease; Presenile and senile dementia. Identifiers: Orphanet 1020, MedGen C0002395, MeSH D000544, MONDO:0004975, HP:0002511.

Allele frequency attached by ClinVar (database versions not stated): gnomAD 0.00001; TOPMed 0.00007; gnomAD exomes 0.00011 and 0.00020; ExAC 0.00014.
gnomAD v4.1: 162 of 1,614,010 alleles (0.01%); highest among the groups gnomAD compares: Admixed American, 0.095%; no homozygotes.

Submissions (4):

Labcorp Genetics (formerly Invitae), Labcorp
Classification: Likely benign for Alzheimer disease. Last evaluated: 2025-10-01. Review status: criteria provided, single submitter. Criteria: Invitae Variant Classification Sherloc (09022015). Collection method: clinical testing. Allele origin: germline.

PreventionGenetics, part of Exact Sciences
Classification: Likely benign for APP-related condition. Last evaluated: 2025-08-01. Review status: criteria provided, single submitter. Criteria: ACMG Guidelines, 2015. Collection method: clinical testing. Allele origin: germline.
Comment: This variant is classified as likely benign based on ACMG/AMP sequence variant interpretation guidelines (Richards et al. 2015 PMID: 25741868, with internal and published modifications).

Mayo Clinic Laboratories, Mayo Clinic
Classification: Likely benign. Last evaluated: 2025-01-02. Review status: criteria provided, single submitter. Criteria: ACMG Guidelines, 2015. Collection method: clinical testing. Allele origin: germline. Observed: 1 variant allele.
Comment: BS1, BS2, PP3

Women's Health and Genetics/Laboratory Corporation of America, LabCorp
Classification: Uncertain significance. Last evaluated: 2024-07-15. Review status: criteria provided, single submitter. Criteria: LabCorp Variant Classification Summary - May 2015. Collection method: clinical testing. Allele origin: germline.
Comment: Variant summary: APP c.1799C>T (p.Thr600Met) results in a non-conservative amino acid change in the encoded protein sequence. Four of five in-silico tools predict a damaging effect of the variant on protein function. The variant allele was found at a frequency of 0.00021 in 252232 control chromosomes. This frequency is not significantly higher than estimated for a pathogenic variant in APP causing Cerebral Amyloid Angiopathy, APP-Related, allowing no conclusion about variant significance. To our knowledge, no occurrence of c.1799C>T in individuals affected with Cerebral Amyloid Angiopathy, APP-Related has been reported, however it was reported in at least one individual in a control cohort (e.g. Schulte_2015). At least one publication reports experimental evidence evaluating an impact on protein function, however, does not allow convincing conclusions about the variant effect (e.g. HSU_2020). The following publications have been ascertained in the context of this evaluation (PMID: 32087291, 25604855). ClinVar contains an entry for this variant (Variation ID: 729651). Based on the evidence outlined above, the variant was classified as uncertain significance.

Literature cited by the submitters: PubMed 25604855 (cited by Mayo Clinic Laboratories, Mayo Clinic and Women's Health and Genetics/Laboratory Corporation of America, LabCorp); PubMed 31011484 (cited by Mayo Clinic Laboratories, Mayo Clinic); PubMed 32050773 (cited by Mayo Clinic Laboratories, Mayo Clinic); PubMed 32087291 (cited by Mayo Clinic Laboratories, Mayo Clinic and Women's Health and Genetics/Laboratory Corporation of America, LabCorp).

NM_000484.4(APP):c.1799C>T (p.Thr600Met)

Gene: APP (amyloid beta precursor protein; minus strand). Cytogenetic location: 21q21.3.
Variant type: single nucleotide variant.
Coding change: c.1799C>T on transcript NM_000484.4 (MANE Select); coding-DNA position 1799, C replaced by T.
Protein change: p.Thr600Met; replaces threonine 600 with methionine.
Molecular consequence: missense variant.
Genome position (GRCh38, 1-based): chr21:25,911,851, G>A on the plus strand (C>T on the coding strand, the complement: APP is on the minus strand). VCF-style: chr21-25911851-G-A. GRCh37 (hg19) VCF-style: chr21-27284163-G-A.
Other names: p.Thr600Met; c.1727C>T, p.Thr576Met (NM_001136016.3); c.1406C>T, p.Thr469Met (NM_001136129.3); c.1631C>T, p.Thr544Met (NM_001136130.3, NM_001385253.1); c.1469C>T, p.Thr490Met (NM_001136131.3); c.1799C>T, p.Thr600Met (NM_001204301.2); c.1742C>T, p.Thr581Met (NM_001204302.2, NM_201413.3); c.1574C>T, p.Thr525Met (NM_001204303.2, NM_201414.3); short protein forms T469M, T490M, T576M, T581M, T600M, T525M, T544M.
Identifiers: ClinVar variation 729651 (VCV000729651.13), dbSNP rs200088099, ClinGen allele CA9987193.
Genomic context (GRCh38, chr21:25,911,851, plus strand): 5'-GGCTGGAGATCGTCCAGGCTGAACTCTCCATTCACGGGAAGGAGCTCCACGGTGGTTTTC[G>A]TTTCGGTCAAAGATGGCATGAGAGCATCGTTTCCGTAACTGATCCTTGGTTCACTAATCA-3'
Protein context (NP_000475.1, residues 590-610): NDALMPSLTE[Thr600Met]KTTVELLPVN